The following is an entry in ClinVar:

ClinVar aggregate classification (germline): Uncertain significance (1 of 4 stars; one submission).

Allele frequency attached by ClinVar (database versions not stated): gnomAD exomes below 0.00001.
gnomAD v4.1: 1 of 1,614,102 alleles (0.000062%); highest among the groups gnomAD compares: Non-Finnish European, 0.000085%; no homozygotes.

Submission:

Labcorp Genetics (formerly Invitae), Labcorp
Classification: Uncertain significance. Last evaluated: 2022-05-18. Review status: criteria provided, single submitter. Criteria: Invitae Variant Classification Sherloc (09022015). Collection method: clinical testing. Allele origin: germline.
Comment: This sequence change replaces serine, which is neutral and polar, with phenylalanine, which is neutral and non-polar, at codon 677 of the PRPF3 protein (p.Ser677Phe). This variant is not present in population databases (gnomAD no frequency). This variant has not been reported in the literature in individuals affected with PRPF3-related conditions. Algorithms developed to predict the effect of missense changes on protein structure and function are either unavailable or do not agree on the potential impact of this missense change (SIFT: "Deleterious"; PolyPhen-2: "Possibly Damaging"; Align-GVGD: "Class C0"). In summary, the available evidence is currently insufficient to determine the role of this variant in disease. Therefore, it has been classified as a Variant of Uncertain Significance.

NM_004698.4(PRPF3):c.2030C>T (p.Ser677Phe)

Gene: PRPF3 (pre-mRNA processing factor 3; plus strand). Cytogenetic location: 1q21.2.
Variant type: single nucleotide variant.
Coding change: c.2030C>T on transcript NM_004698.4 (MANE Select); coding-DNA position 2030, C replaced by T.
Protein change: p.Ser677Phe; replaces serine 677 with phenylalanine.
Molecular consequence: missense variant. On other transcripts: non-coding transcript variant (4).
Genome position (GRCh38, 1-based): chr1:150,352,957, C>T. VCF-style: chr1-150352957-C-T. GRCh37 (hg19) VCF-style: chr1-150325433-C-T.
Other names: c.1625C>T, p.Ser542Phe (NM_001350529.1); short protein forms S542F, S677F.
Identifiers: ClinVar variation 2134650 (VCV002134650.4), dbSNP rs2525277524, ClinGen allele CA342291427.